The following is an entry in ClinVar:

ClinVar aggregate classification (germline): Uncertain significance. Review status: criteria provided, multiple submitters, no conflicts (2 of 4 stars). 4 submissions from 4 submitters: Uncertain significance (4). Last evaluated 2025-05-30.

Conditions:
Hereditary cancer-predisposing syndrome. Also called: Neoplastic Syndromes, Hereditary; Hereditary neoplastic syndrome; Tumor predisposition; Hereditary Cancer Syndrome. Identifiers: Orphanet 140162, MedGen C0027672, MeSH D009386, MONDO:0015356.
Peutz-Jeghers syndrome (PJS). Also called: POLYPOSIS, HAMARTOMATOUS INTESTINAL; POLYPS-AND-SPOTS SYNDROME; Peutz-Jeghers polyposis; Periorificial lentiginosis syndrome. Identifiers: Orphanet 2869, MedGen C0031269, MeSH D010580, MONDO:0008280, OMIM 175200.

Allele frequency attached by ClinVar (database versions not stated): gnomAD exomes below 0.00001.

Submissions (4):

Ambry Genetics
Classification: Uncertain significance for Hereditary cancer-predisposing syndrome. Last evaluated: 2025-05-30. Review status: criteria provided, single submitter. Criteria: Ambry Variant Classification Scheme 2023. Collection method: clinical testing. Allele origin: germline.
Comment: The p.T13M variant (also known as c.38C>T), located in coding exon 1 of the STK11 gene, results from a C to T substitution at nucleotide position 38. The threonine at codon 13 is replaced by methionine, an amino acid with similar properties. This alteration was not observed in 53 unselected male breast cancer patients and was observed with an allele frequency of 0.0001 in 12,490 male controls of Japanese ancestry (Momozawa Y et al. Nat Commun, 2018 10;9:4083). This amino acid position is not well conserved in available vertebrate species. In addition, this alteration is predicted to be tolerated by in silico analysis. Based on the available evidence, the clinical significance of this variant remains unclear.

Labcorp Genetics (formerly Invitae), Labcorp
Classification: Uncertain significance for Peutz-Jeghers syndrome. Last evaluated: 2023-12-12. Review status: criteria provided, single submitter. Criteria: Invitae Variant Classification Sherloc (09022015). Collection method: clinical testing. Allele origin: germline.
Comment: This sequence change replaces threonine, which is neutral and polar, with methionine, which is neutral and non-polar, at codon 13 of the STK11 protein (p.Thr13Met). This variant is not present in population databases (gnomAD no frequency). This variant has not been reported in the literature in individuals affected with STK11-related conditions. ClinVar contains an entry for this variant (Variation ID: 662432). Advanced modeling of protein sequence and biophysical properties (such as structural, functional, and spatial information, amino acid conservation, physicochemical variation, residue mobility, and thermodynamic stability) has been performed at Invitae for this missense variant, however the output from this modeling did not meet the statistical confidence thresholds required to predict the impact of this variant on STK11 protein function. In summary, the available evidence is currently insufficient to determine the role of this variant in disease. Therefore, it has been classified as a Variant of Uncertain Significance.

Genome-Nilou Lab
Classification: Uncertain significance for Peutz-Jeghers syndrome. Last evaluated: 2021-07-15. Review status: criteria provided, single submitter. Criteria: ACMG Guidelines, 2015. Collection method: clinical testing. Allele origin: germline. Affected: no.

Color Diagnostics, LLC DBA Color Health
Classification: Uncertain significance for Hereditary cancer-predisposing syndrome. Last evaluated: 2021-03-22. Review status: criteria provided, single submitter. Criteria: ACMG Guidelines, 2015. Collection method: clinical testing. Allele origin: germline.
Comment: This missense variant replaces threonine with methionine at codon 13 of the STK11 protein. Computational prediction suggests that this variant may not impact protein structure and function (internally defined REVEL score threshold <= 0.5, PMID: 27666373). To our knowledge, functional studies have not been reported for this variant. This variant has not been reported in individuals affected with hereditary cancer in the literature. This variant has not been identified in the general population by the Genome Aggregation Database (gnomAD). The available evidence is insufficient to determine the role of this variant in disease conclusively. Therefore, this variant is classified as a Variant of Uncertain Significance.

Literature cited by the submitters: PubMed 30287823 (cited by Ambry Genetics).

NM_000455.5(STK11):c.38C>T (p.Thr13Met)

Gene: STK11 (serine/threonine kinase 11; plus strand). Cytogenetic location: 19p13.3.
Variant type: single nucleotide variant.
Coding change: c.38C>T on transcript NM_000455.5 (MANE Select); coding-DNA position 38, C replaced by T.
Protein change: p.Thr13Met; replaces threonine 13 with methionine.
Molecular consequence: missense variant.
Genome position (GRCh38, 1-based): chr19:1,206,951, C>T. VCF-style: chr19-1206951-C-T. GRCh37 (hg19) VCF-style: chr19-1206950-C-T.
Other names: short protein forms T13M.
Identifiers: ClinVar variation 662432 (VCV000662432.17), dbSNP rs1599914790, ClinGen allele CA402943176.